The following is an entry in ClinVar:

NM_016343.4(CENPF):c.307C>T (p.Gln103Ter)

Genes: CENPF (centromere protein F; plus strand), LOC126806006 (BRD4-independent group 4 enhancer GRCh37_chr1:214788162-214789361; plus strand). Cytogenetic location: 1q41.
Variant type: single nucleotide variant.
Coding change: c.307C>T on transcript NM_016343.4 (MANE Select); coding-DNA position 307, C replaced by T.
Protein change: p.Gln103Ter; replaces glutamine 103 with a stop codon.
Molecular consequence: nonsense.
Genome position (GRCh38, 1-based): chr1:214,614,976, C>T. VCF-style: chr1-214614976-C-T. GRCh37 (hg19) VCF-style: chr1-214788319-C-T.
Other names: short protein forms Q103*.
Identifiers: ClinVar variation 4988405 (VCV004988405.1).
Genomic context (GRCh38, chr1:214,614,976, plus strand): 5'-AAGCAGAAGATTTCTCATGAACTTCAAGTCAAGGAGTCACAAGTGAATTTCCAGGAAGGA[C>T]AACTGAATTCAGGCAAAAAACAAATAGAAAAACTGGAACAGGAACTTAAAAGGTAATATT-3'

ClinVar aggregate classification (germline): Likely pathogenic (1 of 4 stars; one submission).

Conditions:
CENPF-related disorder. Also called: CENPF-related condition.

gnomAD v4.1: 8 of 1,604,850 alleles (0.0005%); highest among the groups gnomAD compares: Non-Finnish European, 0.00068%; no homozygotes.

Submission:

PreventionGenetics, part of Exact Sciences
Classification: Likely pathogenic for CENPF-related condition. Last evaluated: 2025-06-26. Review status: criteria provided, single submitter. Criteria: ACMG Guidelines, 2015. Collection method: clinical testing. Allele origin: germline.
Comment: The CENPF c.307C>T variant is predicted to result in premature protein termination (p.Gln103*). To our knowledge, this variant has not been reported in the literature or in a large population database (gnomAD), indicating this variant is rare. Other pathogenic variants have been reported in the 5' and 3 regions of this variant (HGMD database; ClinVar Variation ID: 224501).  Nonsense variants in CENPF are expected to be pathogenic. This variant is interpreted as likely pathogenic.